The following is an entry in ClinVar:

ClinVar aggregate classification (germline): Conflicting classifications of pathogenicity. Review status: criteria provided, conflicting classifications (1 of 4 stars). 2 submissions from 2 submitters: Uncertain significance (1); Likely benign (1). Last evaluated 2024-12-18.

Conditions:
Hereditary cancer-predisposing syndrome. Also called: Hereditary neoplastic syndrome; Tumor predisposition; Neoplastic Syndromes, Hereditary; Hereditary Cancer Syndrome. Identifiers: Orphanet 140162, MedGen C0027672, MeSH D009386, MONDO:0015356.
Oligodontia-cancer predisposition syndrome. Also called: TOOTH AGENESIS-COLORECTAL CANCER SYNDROME. Identifiers: Orphanet 300576, MedGen C1837750, MONDO:0012075, OMIM 608615. Disease mechanism: loss of function.

Allele frequency attached by ClinVar (database versions not stated): gnomAD exomes below 0.00001.
gnomAD v4.1: 1 of 1,614,096 alleles (0.000062%); highest among the groups gnomAD compares: Non-Finnish European, 0.000085%; no homozygotes.

Submissions (2):

Labcorp Genetics (formerly Invitae), Labcorp
Classification: Uncertain significance for Oligodontia-cancer predisposition syndrome. Last evaluated: 2024-12-18. Review status: criteria provided, single submitter. Criteria: Invitae Variant Classification Sherloc (09022015). Collection method: clinical testing. Allele origin: germline.
Comment: This sequence change replaces lysine, which is basic and polar, with arginine, which is basic and polar, at codon 556 of the AXIN2 protein (p.Lys556Arg). This variant is not present in population databases (gnomAD no frequency). This variant has not been reported in the literature in individuals affected with AXIN2-related conditions. ClinVar contains an entry for this variant (Variation ID: 1347864). Invitae Evidence Modeling of protein sequence and biophysical properties (such as structural, functional, and spatial information, amino acid conservation, physicochemical variation, residue mobility, and thermodynamic stability) indicates that this missense variant is not expected to disrupt AXIN2 protein function with a negative predictive value of 80%. In summary, the available evidence is currently insufficient to determine the role of this variant in disease. Therefore, it has been classified as a Variant of Uncertain Significance.

Ambry Genetics
Classification: Likely benign for Hereditary cancer-predisposing syndrome. Last evaluated: 2024-07-24. Review status: criteria provided, single submitter. Criteria: Ambry Variant Classification Scheme 2023. Collection method: clinical testing. Allele origin: germline.

NM_004655.4(AXIN2):c.1667A>G (p.Lys556Arg)

Gene: AXIN2 (axin 2; minus strand). Cytogenetic location: 17q24.1.
Variant type: single nucleotide variant.
Coding change: c.1667A>G on transcript NM_004655.4 (MANE Select); coding-DNA position 1667, A replaced by G.
Protein change: p.Lys556Arg; replaces lysine 556 with arginine.
Molecular consequence: missense variant.
Genome position (GRCh38, 1-based): chr17:65,537,369, T>C on the plus strand (A>G on the coding strand, the complement: AXIN2 is on the minus strand). VCF-style: chr17-65537369-T-C. GRCh37 (hg19) VCF-style: chr17-63533487-T-C.
Other names: c.1667A>G, p.Lys556Arg (NM_001363813.1); c.1667A>G (NM_004655.3); short protein forms K556R.
Identifiers: ClinVar variation 1347864 (VCV001347864.7), dbSNP rs2144456529, ClinGen allele CA400676882.